The following is an entry in ClinVar:

NM_002049.4(GATA1):c.688C>T (p.Leu230Phe)

Gene: GATA1 (GATA binding protein 1; plus strand). Cytogenetic location: Xp11.23.
Variant type: single nucleotide variant.
Coding change: c.688C>T on transcript NM_002049.4 (MANE Select); coding-DNA position 688, C replaced by T.
Protein change: p.Leu230Phe; replaces leucine 230 with phenylalanine.
Molecular consequence: missense variant.
Genome position (GRCh38, 1-based): chrX:48,792,412, C>T. VCF-style: chrX-48792412-C-T. GRCh37 (hg19) VCF-style: chrX-48650819-C-T.
Other names: short protein forms L230F.
Identifiers: ClinVar variation 5020307 (VCV005020307.1).

ClinVar aggregate classification (germline): Uncertain significance (1 of 4 stars; one submission).

Submission:

Dasa
Classification: Uncertain significance. Last evaluated: 2026-06-25. Review status: criteria provided, single submitter. Criteria: DASA Assertion Criteria. Collection method: clinical testing. Allele origin: germline.
Comment: NM_002049.4(GATA1):c.688C>T (p.Leu230Phe) is a missense variant that results in the substitution of leucine with phenylalanine. This variant is rare in population databases. Computational prediction algorithms are consistent with a deleterious effect. The currently available literature and clinical evidence are not sufficient to establish a definitive association between this variant and the reported condition. Therefore, this variant is classified as a variant of uncertain significance.